The following is an entry in ClinVar:

ClinVar aggregate classification (germline): Uncertain significance (1 of 4 stars; one submission).

Allele frequency attached by ClinVar (database versions not stated): gnomAD 0.00001 and 0.00002; TOPMed 0.00001; ExAC 0.00003; 1000 Genomes Project 30x 0.00016; 1000 Genomes Project 0.00020.

Submission:

GeneDx
Classification: Uncertain significance. Last evaluated: 2017-08-31. Review status: criteria provided, single submitter. Criteria: GeneDx Variant Classification (06012015). Collection method: clinical testing. Allele origin: germline. Affected: yes.
Comment: A variant of uncertain significance has been identified in the C12ORF65 gene. The G69S variant has not been published as a pathogenic variant, nor has it been reported as a benign variant to our knowledge. The G69S variant is not observed at a significant frequency in large population cohorts (Lek et al., 2016; 1000 Genomes Consortium et al., 2015; Exome Variant Server). The G69S variant is a non-conservative amino acid substitution, which is likely to impact secondary protein structure as these residues differ in polarity, charge, size and/or other properties. This substitution occurs at a position that is conserved across species, and in silico analysis predicts this variant is probably damaging to the protein structure/function. Based on the currently available information, it is unclear whether this variant is a pathogenic variant or a rare benign variant.

NM_152269.5(MTRFR):c.205G>A (p.Gly69Ser)

Gene: MTRFR (mitochondrial translation release factor in rescue; plus strand). Cytogenetic location: 12q24.31.
Variant type: single nucleotide variant.
Coding change: c.205G>A on transcript NM_152269.5 (MANE Select); coding-DNA position 205, G replaced by A.
Protein change: p.Gly69Ser; replaces glycine 69 with serine.
Molecular consequence: missense variant.
Genome position (GRCh38, 1-based): chr12:123,253,879, G>A. VCF-style: chr12-123253879-G-A. GRCh37 (hg19) VCF-style: chr12-123738426-G-A.
Other names: c.205G>A, p.Gly69Ser (NM_001143905.2, NM_001194995.1); short protein forms G69S.
Identifiers: ClinVar variation 451809 (VCV000451809.2), dbSNP rs200516874, ClinGen allele CA6856538.
Genomic context (GRCh38, chr12:123,253,879, plus strand): 5'-TACCCTGCACTGCTTTCCTTGGATGAGAATGAACTCGAAGAGCAGTTTGTGAAAGGACAC[G>A]GTCCAGGGGGCCAGGCAACCAACAAAACCAGCAACTGCGTGGTGCTGAAGCACATCCCCT-3'
Protein context (NP_689482.1, residues 59-79): ELEEQFVKGH[Gly69Ser]PGGQATNKTS